The following is an entry in ClinVar:

NM_003458.4(BSN):c.9686G>A (p.Arg3229Gln)

Gene: BSN (bassoon presynaptic cytomatrix protein; plus strand). Cytogenetic location: 3p21.31.
Variant type: single nucleotide variant.
Coding change: c.9686G>A on transcript NM_003458.4 (MANE Select); coding-DNA position 9686, G replaced by A.
Protein change: p.Arg3229Gln; replaces arginine 3229 with glutamine.
Molecular consequence: missense variant.
Genome position (GRCh38, 1-based): chr3:49,661,531, G>A. VCF-style: chr3-49661531-G-A. GRCh37 (hg19) VCF-style: chr3-49698964-G-A.
Other names: short protein forms R3229Q.
Identifiers: ClinVar variation 3900319 (VCV003900319.2).

ClinVar aggregate classification (germline): Uncertain significance. Review status: criteria provided, multiple submitters, no conflicts (2 of 4 stars). 2 submissions from 2 submitters: Uncertain significance (2). Last evaluated 2025-09-01.

gnomAD v4.1: 40 of 1,614,036 alleles (0.0025%); highest among the groups gnomAD compares: East Asian, 0.02%; no homozygotes.

Submissions (2):

Ambry Genetics
Classification: Uncertain significance. Last evaluated: 2025-09-01. Review status: criteria provided, single submitter. Criteria: Ambry Variant Classification Scheme 2023. Collection method: clinical testing. Allele origin: germline.

GeneDx
Classification: Uncertain significance. Last evaluated: 2024-02-27. Review status: criteria provided, single submitter. Criteria: GeneDx Variant Classification Process June 2021. Collection method: clinical testing. Allele origin: germline. Affected: yes.
Comment: In silico analysis supports that this missense variant has a deleterious effect on protein structure/function; Has not been previously published as pathogenic or benign to our knowledge; Variants in candidate genes are classified as variants of uncertain significance in accordance with ACMG guidelines (PMID: 25741868)